The following is an entry in ClinVar:

NM_138352.3(SAMD1):c.38C>G (p.Ala13Gly)

Gene: SAMD1 (sterile alpha motif domain containing 1; minus strand). Cytogenetic location: 19p13.12.
Variant type: single nucleotide variant.
Coding change: c.38C>G on transcript NM_138352.3 (MANE Select); coding-DNA position 38, C replaced by G.
Protein change: p.Ala13Gly; replaces alanine 13 with glycine.
Molecular consequence: missense variant.
Genome position (GRCh38, 1-based): chr19:14,090,383, G>C on the plus strand (C>G on the coding strand, the complement: SAMD1 is on the minus strand). VCF-style: chr19-14090383-G-C. GRCh37 (hg19) VCF-style: chr19-14201195-G-C.
Other names: short protein forms A13G.
Identifiers: ClinVar variation 3316067 (VCV003316067.1).
Genomic context (GRCh38, chr19:14,090,383, plus strand): 5'-TCTTGGTAGTGCGGGGAAGCGGCGGACGACGAGGCGGCGGCCGCCGTGGTGGCGGCCGCC[G>C]CCGTCTCCGGCGGGGGTAGGGCCGGGGGCCCCGCCATGCCTCCCGCCCGGCCCGGCTGCA-3'
Protein context (NP_612361.1, residues 3-23): GPPALPPPET[Ala13Gly]AAATTAAAAS

ClinVar aggregate classification (germline): Uncertain significance (1 of 4 stars; one submission).

Submission:

Ambry Genetics
Classification: Uncertain significance. Last evaluated: 2024-03-26. Review status: criteria provided, single submitter. Criteria: Ambry Variant Classification Scheme 2023. Collection method: clinical testing. Allele origin: germline.
Comment: The c.38C>G (p.A13G) alteration is located in exon (coding exon ) of the SAMD1 gene. This alteration results from a C to G substitution at nucleotide position 38, causing the alanine (A) at amino acid position 13 to be replaced by a glycine (G). Based on insufficient or conflicting evidence, the clinical significance of this alteration remains unclear.